The following is an entry in ClinVar:

ClinVar aggregate classification (germline): Uncertain significance. Review status: criteria provided, multiple submitters, no conflicts (2 of 4 stars). 2 submissions from 2 submitters: Uncertain significance (2). Last evaluated 2025-10-03.

Conditions:
Cardiovascular phenotype. Identifiers: MedGen CN230736.

Submissions (2):

Ambry Genetics
Classification: Uncertain significance for Cardiovascular phenotype. Last evaluated: 2025-10-03. Review status: criteria provided, single submitter. Criteria: Ambry Variant Classification Scheme 2023. Collection method: clinical testing. Allele origin: germline.
Comment: The c.77313_77315delACT variant (also known as p.L25772del) is located in coding exon 185 of the TTN gene. This variant results from an in-frame ACT deletion at nucleotide positions 77313 to 77315. This results in the in-frame deletion of a leucine at codon 25772. This amino acid position is highly conserved in available vertebrate species. In addition, this alteration is predicted to be deleterious by in silico analysis (Choi Y et al. PLoS ONE. 2012; 7(10):e46688). Since supporting evidence is limited at this time, the clinical significance of this alteration remains unclear.

Revvity Omics, Revvity
Classification: Uncertain significance. Last evaluated: 2023-01-03. Review status: criteria provided, single submitter. Criteria: ACMG Guidelines, 2015. Collection method: clinical testing. Allele origin: germline.

NM_001267550.2(TTN):c.104505ACT[1] (p.Leu34837del)

Genes: TTN (titin; minus strand), TTN-AS1 (TTN antisense RNA 1; plus strand). Cytogenetic location: 2q31.2.
Variant type: Microsatellite.
Coding change: c.104505ACT[1] on transcript NM_001267550.2 (MANE Select); one copy of the 3-base unit ACT starting at c.104505; the reference has two copies in a row; one copy, 3 bases deleted.
Protein change: p.Leu34837del; deletes leucine 34837.
Molecular consequence: inframe deletion.
Genome position (GRCh38, 1-based): chr2:178,532,105-178,532,107, AGT deleted on the plus strand (ACT on the coding strand, the reverse complement: TTN is on the minus strand); deleting any 3 consecutive bases within chr2:178,532,105-178,532,110 gives the same sequence; the position shown is the placement nearest the transcript's 3' end. VCF-style (leftmost placement, unchanged base first): chr2-178532104-CAGT-C. GRCh37 (hg19) VCF-style: chr2-179396831-CAGT-C.
Other names: c.77313_77315delACT (NM_003319.4); c.99582ACT[1], p.Leu33196del (NM_001256850.1); c.77310ACT[1], p.Leu25772del (NM_003319.4); c.96801ACT[1], p.Leu32269del (NM_133378.4); c.77685ACT[1], p.Leu25897del (NM_133432.3); c.77886ACT[1], p.Leu25964del (NM_133437.4); c.96804_96806del (NM_133378.4); short protein forms L25897del, L25964del, L32269del, L25772del, L33196del, L34837del.
Identifiers: ClinVar variation 1760360 (VCV001760360.6), dbSNP rs754577440, ClinGen allele CA1985414.